The following is an entry in ClinVar:

NM_212550.5(BLOC1S3):c.395A>G (p.Tyr132Cys)

Gene: BLOC1S3 (biogenesis of lysosomal organelles complex 1 subunit 3; plus strand). Cytogenetic location: 19q13.32.
Variant type: single nucleotide variant.
Coding change: c.395A>G on transcript NM_212550.5 (MANE Select); coding-DNA position 395, A replaced by G.
Protein change: p.Tyr132Cys; replaces tyrosine 132 with cysteine.
Molecular consequence: missense variant.
Genome position (GRCh38, 1-based): chr19:45,179,691, A>G. VCF-style: chr19-45179691-A-G. GRCh37 (hg19) VCF-style: chr19-45682949-A-G.
Other names: short protein forms Y132C.
Identifiers: ClinVar variation 1911877 (VCV001911877.2), dbSNP rs910452264, ClinGen allele CA308943330.

ClinVar aggregate classification (germline): Uncertain significance (1 of 4 stars; one submission).

Allele frequency attached by ClinVar (database versions not stated): gnomAD 0.00001; gnomAD exomes 0.00001; TOPMed 0.00001.
gnomAD v4.1: 11 of 1,464,938 alleles (0.00075%); highest among the groups gnomAD compares: Admixed American, 0.01%; no homozygotes.

Submission:

Labcorp Genetics (formerly Invitae), Labcorp
Classification: Uncertain significance. Last evaluated: 2022-04-28. Review status: criteria provided, single submitter. Criteria: Invitae Variant Classification Sherloc (09022015). Collection method: clinical testing. Allele origin: germline.
Comment: This sequence change replaces tyrosine, which is neutral and polar, with cysteine, which is neutral and slightly polar, at codon 132 of the BLOC1S3 protein (p.Tyr132Cys). This variant is present in population databases (no rsID available, gnomAD 0.02%). This variant has not been reported in the literature in individuals affected with BLOC1S3-related conditions. Algorithms developed to predict the effect of missense changes on protein structure and function (SIFT, PolyPhen-2, Align-GVGD) all suggest that this variant is likely to be disruptive. In summary, the available evidence is currently insufficient to determine the role of this variant in disease. Therefore, it has been classified as a Variant of Uncertain Significance.